The following is an entry in ClinVar:

NM_001366385.1(CARD14):c.2481_2482delinsTT (p.Arg828Trp)

Genes: CARD14 (caspase recruitment domain family member 14; plus strand), SGSH (N-sulfoglucosamine sulfohydrolase; minus strand), LOC126862662 (MED14-independent group 3 enhancer GRCh37_chr17:78178385-78179584; plus strand). Cytogenetic location: 17q25.3.
Variant type: Indel.
Coding change: c.2481_2482delinsTT on transcript NM_001366385.1 (MANE Select); coding-DNA positions 2481 to 2482, CC replaced by TT.
Protein change: p.Arg828Trp; replaces arginine 828 with tryptophan.
Molecular consequence: missense variant. On other transcripts: non-coding transcript variant (1).
Genome position (GRCh38, 1-based): chr17:80,205,117-80,205,118, CC replaced by TT. VCF-style: chr17-80205117-CC-TT. GRCh37 (hg19) VCF-style: chr17-78178916-CC-TT.
Other names: c.2481_2482delinsTT, p.Arg828Trp (NM_024110.4); short protein forms R828W.
Identifiers: ClinVar variation 2937158 (VCV002937158.3), dbSNP rs2510767828, ClinGen allele CA2740093950.
Genomic context (GRCh38, chr17:80,205,117, plus strand): 5'-CGAGAGCTGCCTCACCCTGGTGCCCTATACCCTGGTGCGGCCCCATCGACCCGCCCGGCC[CC>TT]GGCCTGTGCTCCTCGTGCCCAGGGCGGTTGGGAAGATCCTGAGCGAGAAACTGTGCCTCC-3'
Protein context (NP_001353314.1, residues 818-838): LVRPHRPARP[Arg828Trp]PVLLVPRAVG

ClinVar aggregate classification (germline): Uncertain significance (1 of 4 stars; one submission).

Conditions:
Psoriasis 2. Identifiers: MedGen C1864497, MONDO:0011269, OMIM 602723.
Pityriasis rubra pilaris (PRP). Also called: Pityriasis rubra pilaris--familial type. Identifiers: Orphanet 2897, MedGen C0032027, MONDO:0100017, OMIM 173200, MONDO:0008251.

Submission:

Labcorp Genetics (formerly Invitae), Labcorp
Classification: Uncertain significance for Pityriasis rubra pilaris; Psoriasis 2. Last evaluated: 2025-01-27. Review status: criteria provided, single submitter. Criteria: Invitae Variant Classification Sherloc (09022015). Collection method: clinical testing. Allele origin: germline.
Comment: This sequence change replaces arginine, which is basic and polar, with tryptophan, which is neutral and slightly polar, at codon 828 of the CARD14 protein (p.Arg828Trp). Information on the frequency of this variant in the gnomAD database is not available, as this variant may be reported differently in the database. This variant has not been reported in the literature in individuals affected with CARD14-related conditions. ClinVar contains an entry for this variant (Variation ID: 2937158). Experimental studies and prediction algorithms are not available or were not evaluated, and the functional significance of this variant is currently unknown. In summary, the available evidence is currently insufficient to determine the role of this variant in disease. Therefore, it has been classified as a Variant of Uncertain Significance.